The following is an entry in ClinVar:

ClinVar aggregate classification (germline): Benign/Likely benign. Review status: criteria provided, multiple submitters, no conflicts (2 of 4 stars). 8 submissions from 8 submitters: Benign (1); Likely benign (6). 1 of the submissions does not count toward it. Last evaluated 2025-04-29.

Conditions:
Hereditary breast ovarian cancer syndrome. Also called: Hereditary breast and ovarian cancer; Hereditary breast and ovarian cancer syndrome; Breast and ovarian cancer; Hereditary breast and ovarian cancer syndrome (HBOC); Hereditary breast and/or ovarian cancer syndrome; BRCA1- and BRCA2-Associated Hereditary Breast and Ovarian Cancer. Identifiers: Orphanet 145, MedGen C0677776, MeSH D061325, MONDO:0003582. Disease mechanism: loss of function.
Hereditary cancer-predisposing syndrome. Also called: Hereditary Cancer Syndrome; Neoplastic Syndromes, Hereditary; Tumor predisposition; Hereditary neoplastic syndrome. Identifiers: Orphanet 140162, MedGen C0027672, MeSH D009386, MONDO:0015356.
Fanconi anemia complementation group O. Also called: RAD51C-Related Fanconi Anemia. Identifiers: Orphanet 84, MedGen C3150653, MONDO:0013248, OMIM 613390.
Breast-ovarian cancer, familial, susceptibility to, 3. Also called: RAD51C-Related Breast/Ovarian Cancer. Identifiers: Orphanet 145, MedGen C3150659, MONDO:0013253, OMIM 613399.

Allele frequency attached by ClinVar (database versions not stated): gnomAD 0.00001; TOPMed 0.00001.
gnomAD v4.1: 31 of 1,614,072 alleles (0.0019%); highest among the groups gnomAD compares: Non-Finnish European, 0.0026%; no homozygotes.

Submissions (8):

Labcorp Genetics (formerly Invitae), Labcorp
Classification: Likely benign for Fanconi anemia complementation group O. Last evaluated: 2025-04-29. Review status: criteria provided, single submitter. Criteria: Invitae Variant Classification Sherloc (09022015). Collection method: clinical testing. Allele origin: germline.

Myriad Genetics, Inc.
Classification: Benign for Breast-ovarian cancer, familial, susceptibility to, 3. Last evaluated: 2025-02-13. Review status: criteria provided, single submitter. Criteria: Myriad Autosomal Dominant, Autosomal Recessive and X-Linked Classification Criteria (2023). Collection method: clinical testing. Allele origin: unknown.
Comment: This variant is considered benign. This variant is a silent/synonymous amino acid change and it is not expected to impact splicing.

German Consortium for Hereditary Breast and Ovarian Cancer, University Hospital Cologne
Classification: Likely benign for Hereditary breast ovarian cancer syndrome. Last evaluated: 2024-01-08. Review status: criteria provided, single submitter. Criteria: ACMG Guidelines, 2015. Collection method: curation. Allele origin: germline.
Comment: rare silent variant, splice prediction negative,. According to the ACMG standard criteria we chose these criteria: PM2 (supporting pathogenic): PM2_sup; <0,01% gnomAD, BP4 (supporting benign): BP4 (Splice predictions: No predicted impact), BP7 (supporting benign): BP7 (Splice predictions: No predicted impact; nucleotide is not highly conserved)

Sema4
Classification: Likely benign for Hereditary cancer-predisposing syndrome. Last evaluated: 2021-07-29. Review status: criteria provided, single submitter. Criteria: Sema4 Curation Guidelines. Collection method: curation. Allele origin: germline.

GeneDx
Classification: Likely benign. Last evaluated: 2020-08-25. Review status: criteria provided, single submitter. Criteria: GeneDx Variant Classification Process June 2021. Collection method: clinical testing. Allele origin: germline. Affected: yes.

Color Diagnostics, LLC DBA Color Health
Classification: Likely benign for Hereditary cancer-predisposing syndrome. Last evaluated: 2017-05-16. Review status: criteria provided, single submitter. Criteria: ACMG Guidelines, 2015. Collection method: clinical testing. Allele origin: germline.

Ambry Genetics
Classification: Likely benign for Hereditary cancer-predisposing syndrome. Last evaluated: 2014-10-07. Review status: criteria provided, single submitter. Criteria: Ambry Variant Classification Scheme 2023. Collection method: clinical testing. Allele origin: germline.

Leiden Open Variation Database
Classification: Uncertain significance. Last evaluated: 2014-11-02. Review status: no assertion criteria provided. Collection method: curation. Allele origin: germline. Affected: yes. Not counted in ClinVar's aggregate classification.
Comment: Curator: Arleen D. Auerbach. Submitter to LOVD: Christine Rappaport.

NM_058216.3(RAD51C):c.9G>C (p.Gly3=)

Gene: RAD51C (RAD51 paralog C; plus strand). Cytogenetic location: 17q22.
Variant type: single nucleotide variant.
Coding change: c.9G>C on transcript NM_058216.3 (MANE Select); coding-DNA position 9, G replaced by C.
Protein change: p.Gly3=; no amino-acid change (glycine 3 retained).
Molecular consequence: synonymous variant. On other transcripts: non-coding transcript variant (2).
Genome position (GRCh38, 1-based): chr17:58,692,652, G>C. VCF-style: chr17-58692652-G-C. GRCh37 (hg19) VCF-style: chr17-56770013-G-C.
Other names: c.9G>C, p.Gly3= (NM_002876.4).
Identifiers: ClinVar variation 186623 (VCV000186623.23), dbSNP rs751117852, ClinGen allele CA333900.
Genomic context (GRCh38, chr17:58,692,652, plus strand): 5'-CAGCGAGGGCGTGCGGAGTTTGGCTGCTCCGGGGTTAGCAGGTGAGCCTGCGATGCGCGG[G>C]AAGACGTTCCGCTTTGAAATGCAGCGGGATTTGGTGAGTTTCCCGCTGTCTCCAGCGGTG-3'
Protein context (NP_478123.1, residues 1-13): MR[Gly3=]KTFRFEMQRD